The following is an entry in ClinVar:

NM_001101362.3(KBTBD13):c.794G>A (p.Gly265Asp)

Gene: KBTBD13 (kelch repeat and BTB domain containing 13; plus strand). Cytogenetic location: 15q22.31.
Variant type: single nucleotide variant.
Coding change: c.794G>A on transcript NM_001101362.3 (MANE Select); coding-DNA position 794, G replaced by A.
Protein change: p.Gly265Asp; replaces glycine 265 with aspartic acid.
Molecular consequence: missense variant.
Genome position (GRCh38, 1-based): chr15:65,077,609, G>A. VCF-style: chr15-65077609-G-A. GRCh37 (hg19) VCF-style: chr15-65369947-G-A.
Other names: short protein forms G265D.
Identifiers: ClinVar variation 129310 (VCV000129310.54), dbSNP rs146917406, ClinGen allele CA153246.

ClinVar aggregate classification (germline): Benign/Likely benign. Review status: criteria provided, multiple submitters, no conflicts (2 of 4 stars). 11 submissions from 11 submitters: Benign (8); Likely benign (2). 1 of the submissions does not count toward it. Last evaluated 2026-09-01.

Conditions:
Nemaline myopathy 6 (NEM6). Also called: Nemaline myopathy 6, autosomal dominant. Identifiers: Orphanet 171439, MedGen C1836472, MONDO:0012237, OMIM 609273.

Allele frequency attached by ClinVar (database versions not stated): 1000 Genomes Project 30x 0.00375; 1000 Genomes Project 0.00399; TOPMed 0.00780; gnomAD exomes 0.00820 and 0.01257; gnomAD 0.00921 and 0.00958; ESP Exome Variant Server 0.00956; ExAC 0.01861.
gnomAD v4.1: 19,194 of 1,582,006 alleles (1.2%); highest among the groups gnomAD compares: Non-Finnish European, 1.4%; 169 homozygotes.

Submissions (11):

CeGaT Center for Human Genetics Tuebingen
Classification: Benign. Last evaluated: 2026-09-01. Review status: criteria provided, single submitter. Criteria: CeGaT Center For Human Genetics Tuebingen Variant Classification Criteria Version 2. Collection method: clinical testing. Allele origin: germline. Affected: yes. Observed: 30 variant alleles.
Comment: KBTBD13: PP3, BS1, BS2

Labcorp Genetics (formerly Invitae), Labcorp
Classification: Benign for Nemaline myopathy 6. Last evaluated: 2026-02-01. Review status: criteria provided, single submitter. Criteria: Invitae Variant Classification Sherloc (09022015). Collection method: clinical testing. Allele origin: germline.

Athena Diagnostics
Classification: Benign. Last evaluated: 2025-06-02. Review status: criteria provided, single submitter. Criteria: Athena Diagnostics Criteria. Collection method: clinical testing. Allele origin: unknown.
Comment: The frequency of this variant in the general population is higher than would generally be expected for pathogenic variants in this gene.

Blueprint Genetics
Classification: Likely benign. Last evaluated: 2024-11-26. Review status: criteria provided, single submitter. Criteria: ACMG Guidelines, 2015. Collection method: clinical testing. Allele origin: germline.

Fulgent Genetics
Classification: Likely benign for Nemaline myopathy 6. Last evaluated: 2022-05-03. Review status: criteria provided, single submitter. Criteria: ACMG Guidelines, 2015. Collection method: clinical testing. Allele origin: unknown.

Mayo Clinic Laboratories, Mayo Clinic
Classification: Benign. Last evaluated: 2018-12-07. Review status: criteria provided, single submitter. Criteria: ACMG Guidelines, 2015. Collection method: clinical testing. Allele origin: germline. Observed: 13 variant alleles.

Illumina Laboratory Services, Illumina
Classification: Benign for Nemaline myopathy 6. Last evaluated: 2018-01-13. Review status: criteria provided, single submitter. Criteria: ICSL Variant Classification Criteria 13 December 2019. Collection method: clinical testing. Allele origin: germline.
Comment: This variant was observed in the ICSL laboratory as part of a predisposition screen in an ostensibly healthy population. It had not been previously curated by ICSL or reported in the Human Gene Mutation Database (HGMD: prior to June 1st, 2018), and was therefore a candidate for classification through an automated scoring system. Utilizing variant allele frequency, disease prevalence and penetrance estimates, and inheritance mode, an automated score was calculated to assess if this variant is too frequent to cause the disease. Based on the score and internal cut-off values, a variant classified as benign is not then subjected to further curation. The score for this variant resulted in a classification of benign for this disease.

GeneDx
Classification: Benign. Last evaluated: 2016-05-05. Review status: criteria provided, single submitter. Criteria: GeneDx Variant Classification (06012015). Collection method: clinical testing. Allele origin: germline. Affected: yes.
Comment: This variant is considered likely benign or benign based on one or more of the following criteria: it is a conservative change, it occurs at a poorly conserved position in the protein, it is predicted to be benign by multiple in silico algorithms, and/or has population frequency not consistent with disease.

Breakthrough Genomics
Classification: Benign. Review status: criteria provided, single submitter. Criteria: ACMG Guidelines, 2015. Collection method: not provided. Allele origin: germline. Inheritance: Autosomal dominant inheritance. Affected: yes.

PreventionGenetics, part of Exact Sciences
Classification: Benign. Review status: criteria provided, single submitter. Criteria: ACMG Guidelines, 2015. Collection method: clinical testing. Allele origin: germline.

Genetic Services Laboratory, University of Chicago
Classification: Likely benign for AllHighlyPenetrant. Review status: no assertion criteria provided. Collection method: clinical testing. Allele origin: germline. Inheritance: Autosomal dominant inheritance. Not counted in ClinVar's aggregate classification.
Comment: Likely benign based on allele frequency in 1000 Genomes Project or ESP global frequency and its presence in a patient with a rare or unrelated disease phenotype. NOT Sanger confirmed.

Literature cited by the submitters: PubMed 29970176 (cited by Athena Diagnostics).